The following is an entry in ClinVar:

NM_000463.3(UGT1A1):c.182C>A (p.Ala61Glu)

Genes: UGT1A (UDP glucuronosyltransferase family 1 member A complex locus; plus strand), UGT1A1 (UDP glucuronosyltransferase family 1 member A1; plus strand), UGT1A10 (UDP glucuronosyltransferase family 1 member A10; plus strand), UGT1A3 (UDP glucuronosyltransferase family 1 member A3; plus strand), UGT1A4 (UDP glucuronosyltransferase family 1 member A4; plus strand) and 5 more. Cytogenetic location: 2q37.1.
Variant type: single nucleotide variant.
Coding change: c.182C>A on transcript NM_000463.3 (MANE Select); coding-DNA position 182, C replaced by A.
Protein change: p.Ala61Glu; replaces alanine 61 with glutamic acid.
Molecular consequence: missense variant. On other transcripts: intron variant (9).
Genome position (GRCh38, 1-based): chr2:233,760,469, C>A. VCF-style: chr2-233760469-C-A. GRCh37 (hg19) VCF-style: chr2-234669115-C-A.
Other names: c.856-6565C>A (NM_019076.5, NM_019075.4, NM_021027.3 and 1 more transcripts); c.61-6565C>A (NM_205862.3); c.862-6565C>A (NM_001072.4); c.868-6565C>A (NM_019078.2, NM_007120.3, NM_019093.4); short protein forms A61E.
Identifiers: ClinVar variation 4994953 (VCV004994953.1).

ClinVar aggregate classification (germline): Uncertain significance (1 of 4 stars; one submission).

Conditions:
UGT1A1-related disorder. Also called: UGT1A1-related condition; UGT1A1-related disorders.

gnomAD v4.1: 1 of 1,614,210 alleles (0.000062%); highest among the groups gnomAD compares: South Asian, 0.0011%; no homozygotes.

Submission:

PreventionGenetics, part of Exact Sciences
Classification: Uncertain significance for UGT1A1-related condition. Last evaluated: 2026-02-24. Review status: criteria provided, single submitter. Criteria: ACMG Guidelines, 2015. Collection method: clinical testing. Allele origin: germline.
Comment: The UGT1A1 c.182C>A variant is predicted to result in the amino acid substitution p.Ala61Glu. To our knowledge, this variant has not been reported in the literature or in a large population database (gnomAD), indicating this variant is rare. Of note, other variants impacting the same amino acid (p.Ala61Thr and Ala61Gly) have been documented in individuals with UGT1A1-related disease (Wisnumurti et al. 2018. PubMed ID: 29607327; Kim et al. 2020. PubMed ID: 31858773; Gu et al. 2022. PubMed ID: 35426266). At this time, the clinical significance of the c.182C>A (p.Ala61Glu) variant is uncertain due to the absence of conclusive functional and genetic evidence.